The following is an entry in ClinVar:

ClinVar aggregate classification (germline): Uncertain significance (1 of 4 stars; one submission).

Conditions:
Hereditary cancer-predisposing syndrome. Also called: Tumor predisposition; Hereditary neoplastic syndrome; Hereditary Cancer Syndrome; Neoplastic Syndromes, Hereditary. Identifiers: Orphanet 140162, MedGen C0027672, MeSH D009386, MONDO:0015356.

Allele frequency attached by ClinVar (database versions not stated): gnomAD exomes below 0.00001.
gnomAD v4.1: 1 of 1,610,042 alleles (0.000062%); highest among the groups gnomAD compares: Non-Finnish European, 0.000085%; no homozygotes.

Submission:

Ambry Genetics
Classification: Uncertain significance for Hereditary cancer-predisposing syndrome. Last evaluated: 2024-02-22. Review status: criteria provided, single submitter. Criteria: Ambry Variant Classification Scheme 2023. Collection method: clinical testing. Allele origin: germline.
Comment: The p.K1105T variant (also known as c.3314A>C), located in coding exon 24 of the MSH3 gene, results from an A to C substitution at nucleotide position 3314. The lysine at codon 1105 is replaced by threonine, an amino acid with similar properties. This amino acid position is conserved. In addition, the in silico prediction for this alteration is inconclusive. Based on the available evidence, the clinical significance of this alteration remains unclear.

NM_002439.5(MSH3):c.3314A>C (p.Lys1105Thr)

Gene: MSH3 (mutS homolog 3; plus strand). Cytogenetic location: 5q14.1.
Variant type: single nucleotide variant.
Coding change: c.3314A>C on transcript NM_002439.5 (MANE Select); coding-DNA position 3314, A replaced by C.
Protein change: p.Lys1105Thr; replaces lysine 1105 with threonine.
Molecular consequence: missense variant.
Genome position (GRCh38, 1-based): chr5:80,875,762, A>C. VCF-style: chr5-80875762-A-C. GRCh37 (hg19) VCF-style: chr5-80171581-A-C.
Other names: short protein forms K1105T.
Identifiers: ClinVar variation 3222295 (VCV003222295.1), dbSNP rs2478808762, ClinGen allele CA360347286.